The following is an entry in ClinVar:

NM_181712.5(KANK4):c.2045G>A (p.Gly682Asp)

Gene: KANK4 (KN motif and ankyrin repeat domains 4; minus strand). Cytogenetic location: 1p31.3.
Variant type: single nucleotide variant.
Coding change: c.2045G>A on transcript NM_181712.5 (MANE Select); coding-DNA position 2045, G replaced by A.
Protein change: p.Gly682Asp; replaces glycine 682 with aspartic acid.
Molecular consequence: missense variant.
Genome position (GRCh38, 1-based): chr1:62,268,473, C>T on the plus strand (G>A on the coding strand, the complement: KANK4 is on the minus strand). VCF-style: chr1-62268473-C-T. GRCh37 (hg19) VCF-style: chr1-62734145-C-T.
Other names: c.161G>A, p.Gly54Asp (NM_001320269.2); short protein forms G682D, G54D.
Identifiers: ClinVar variation 2965774 (VCV002965774.3), dbSNP rs768438819, ClinGen allele CA884224.

ClinVar aggregate classification (germline): Uncertain significance (1 of 4 stars; one submission).

Allele frequency attached by ClinVar (database versions not stated): ExAC 0.00002; gnomAD 0.00001.
gnomAD v4.1: 19 of 1,613,682 alleles (0.0012%); highest among the groups gnomAD compares: Admixed American, 0.018%; no homozygotes.

Submission:

Labcorp Genetics (formerly Invitae), Labcorp
Classification: Uncertain significance. Last evaluated: 2025-04-21. Review status: criteria provided, single submitter. Criteria: Invitae Variant Classification Sherloc (09022015). Collection method: clinical testing. Allele origin: germline.
Comment: This sequence change replaces glycine, which is neutral and non-polar, with aspartic acid, which is acidic and polar, at codon 682 of the KANK4 protein (p.Gly682Asp). This variant is present in population databases (rs768438819, gnomAD 0.02%). This variant has not been reported in the literature in individuals affected with KANK4-related conditions. ClinVar contains an entry for this variant (Variation ID: 2965774). An algorithm developed to predict the effect of missense changes on protein structure and function outputs the following: PolyPhen-2: "Benign". The aspartic acid amino acid residue is found in multiple mammalian species, which suggests that this missense change does not adversely affect protein function. In summary, the available evidence is currently insufficient to determine the role of this variant in disease. Therefore, it has been classified as a Variant of Uncertain Significance.